The following is an entry in ClinVar:

ClinVar aggregate classification (germline): Uncertain significance (1 of 4 stars; one submission).

Conditions:
Catecholaminergic polymorphic ventricular tachycardia 1. Also called: VENTRICULAR TACHYCARDIA, CATECHOLAMINERGIC POLYMORPHIC, 1, WITH OR WITHOUT ATRIAL DYSFUNCTION AND/OR DILATED CARDIOMYOPATHY; RYR2-Related Catecholaminergic Polymorphic Ventricular Tachycardia; VENTRICULAR TACHYCARDIA, STRESS-INDUCED POLYMORPHIC 1. Identifiers: Orphanet 3286, MedGen C1631597, MONDO:0011484, OMIM 604772.

Submission:

Labcorp Genetics (formerly Invitae), Labcorp
Classification: Uncertain significance for Catecholaminergic polymorphic ventricular tachycardia 1. Last evaluated: 2019-11-08. Review status: criteria provided, single submitter. Criteria: Invitae Variant Classification Sherloc (09022015). Collection method: clinical testing. Allele origin: germline.
Comment: This sequence change falls in intron 33 of the TRDN gene. It does not directly change the encoded amino acid sequence of the TRDN protein, but it affects a nucleotide within the consensus splice site of the intron. This variant is not present in population databases (ExAC no frequency). This variant has not been reported in the literature in individuals with TRDN-related conditions. Nucleotide substitutions within the consensus splice site are a relatively common cause of aberrant splicing (PMID: 17576681, 9536098). Algorithms developed to predict the effect of sequence changes on RNA splicing suggest that this variant is not likely to affect RNA splicing, but this prediction has not been confirmed by published transcriptional studies. In summary, the available evidence is currently insufficient to determine the role of this variant in disease. Therefore, it has been classified as a Variant of Uncertain Significance.

Literature cited by the submitters: PubMed 17576681; PubMed 9536098.

NM_006073.4(TRDN):c.1805-6_1805-4delinsT

Gene: TRDN (triadin; minus strand). Cytogenetic location: 6q22.31.
Variant type: Indel.
Coding change: c.1805-6_1805-4delinsT on transcript NM_006073.4 (MANE Select); 6 bases into the intron before coding-DNA position 1805 through 4 bases into the intron before coding-DNA position 1805, CTA replaced by T.
Molecular consequence: intron variant.
Genome position (GRCh38, 1-based): chr6:123,260,642-123,260,644, TAG replaced by A on the plus strand (CTA replaced by T on the coding strand, the reverse complement: TRDN is on the minus strand). VCF-style: chr6-123260642-TAG-A. GRCh37 (hg19) VCF-style: chr6-123581787-TAG-A.
Identifiers: ClinVar variation 967111 (VCV000967111.5), dbSNP rs1776731846, ClinGen allele CA1139659794.